The following is an entry in ClinVar:

ClinVar aggregate classification (germline): Uncertain significance (1 of 4 stars; one submission).

Conditions:
Werner syndrome (WRN). Identifiers: Orphanet 902, MedGen C0043119, MONDO:0010196, OMIM 277700.

Submission:

Labcorp Genetics (formerly Invitae), Labcorp
Classification: Uncertain significance for Werner syndrome. Last evaluated: 2023-06-23. Review status: criteria provided, single submitter. Criteria: Invitae Variant Classification Sherloc (09022015). Collection method: clinical testing. Allele origin: germline.
Comment: In summary, the available evidence is currently insufficient to determine the role of this variant in disease. Therefore, it has been classified as a Variant of Uncertain Significance. An algorithm developed to predict the effect of missense changes on protein structure and function (PolyPhen-2) suggests that this variant is likely to be tolerated. This variant has not been reported in the literature in individuals affected with WRN-related conditions. This variant is not present in population databases (gnomAD no frequency). This sequence change replaces serine, which is neutral and polar, with phenylalanine, which is neutral and non-polar, at codon 689 of the WRN protein (p.Ser689Phe).

NM_000553.6(WRN):c.2066C>T (p.Ser689Phe)

Gene: WRN (WRN RecQ like helicase; plus strand). Cytogenetic location: 8p12.
Variant type: single nucleotide variant.
Coding change: c.2066C>T on transcript NM_000553.6 (MANE Select); coding-DNA position 2066, C replaced by T.
Protein change: p.Ser689Phe; replaces serine 689 with phenylalanine.
Molecular consequence: missense variant.
Genome position (GRCh38, 1-based): chr8:31,100,933, C>T. VCF-style: chr8-31100933-C-T. GRCh37 (hg19) VCF-style: chr8-30958449-C-T.
Other names: short protein forms S689F.
Identifiers: ClinVar variation 2987418 (VCV002987418.3), dbSNP rs1814201589, ClinGen allele CA370908889.